The following is an entry in ClinVar:

NM_000130.5(F5):c.4813G>C (p.Asp1605His)

Gene: F5 (coagulation factor V; minus strand). Cytogenetic location: 1q24.2.
Variant type: single nucleotide variant.
Coding change: c.4813G>C on transcript NM_000130.5 (MANE Select); coding-DNA position 4813, G replaced by C.
Protein change: p.Asp1605His; replaces aspartic acid 1605 with histidine.
Molecular consequence: missense variant.
Genome position (GRCh38, 1-based): chr1:169,536,664, C>G on the plus strand (G>C on the coding strand, the complement: F5 is on the minus strand). VCF-style: chr1-169536664-C-G. GRCh37 (hg19) VCF-style: chr1-169505902-C-G.
Other names: short protein forms D1605H.
Identifiers: ClinVar variation 2722778 (VCV002722778.5), dbSNP rs201640368, ClinGen allele CA1233631.
Genomic context (GRCh38, chr1:169,536,664, plus strand): 5'-CGAGGTACTTTCGAAAAACTACTTTCTTATATGTGGTATCTTCTGGAATATCATCAGAGT[C>G]TTCAATATCTGTTTCCCTGAAATAATAATACTATTTGTGTAAAAGAAGAAATTAAAGACT-3'
Protein context (NP_000121.2, residues 1595-1615): EFVQRETDIE[Asp1605His]SDDIPEDTTY

ClinVar aggregate classification (germline): Conflicting classifications of pathogenicity. Review status: criteria provided, conflicting classifications (1 of 4 stars). 2 submissions from 2 submitters: Uncertain significance (1); Likely benign (1). Last evaluated 2025-08-03.

Conditions:
Inborn genetic diseases. Identifiers: MedGen C0950123, MeSH D030342.
Congenital factor V deficiency. Also called: LABILE FACTOR DEFICIENCY; OWREN PARAHEMOPHILIA; PARAHEMOPHILIA; Hereditary factor V deficiency disease. Identifiers: Orphanet 326, MedGen C0015499, MONDO:0009210, OMIM 227400.

Allele frequency attached by ClinVar (database versions not stated): TOPMed 0.00016; gnomAD 0.00017; 1000 Genomes Project 0.00020; 1000 Genomes Project 30x 0.00031; ESP Exome Variant Server 0.00054.
gnomAD v4.1: 59 of 1,610,834 alleles (0.0037%); highest among the groups gnomAD compares: African/African-American, 0.06%; no homozygotes.

Submissions (2):

Ambry Genetics
Classification: Uncertain significance for Inborn genetic diseases. Last evaluated: 2025-08-03. Review status: criteria provided, single submitter. Criteria: Ambry Variant Classification Scheme 2023. Collection method: clinical testing. Allele origin: germline.
Comment: The p.D1605H variant (also known as c.4813G>C), located in coding exon 14 of the F5 gene, results from a G to C substitution at nucleotide position 4813. The aspartic acid at codon 1605 is replaced by histidine, an amino acid with similar properties. This amino acid position is conserved. In addition, this alteration is predicted to be tolerated by in silico analysis. Based on the available evidence, the clinical significance of this variant remains unclear.

Labcorp Genetics (formerly Invitae), Labcorp
Classification: Likely benign for Congenital factor V deficiency. Last evaluated: 2024-03-07. Review status: criteria provided, single submitter. Criteria: Invitae Variant Classification Sherloc (09022015). Collection method: clinical testing. Allele origin: germline.